The following is an entry in ClinVar:

ClinVar aggregate classification (germline): Pathogenic (1 of 4 stars; one submission).

Conditions:
Brown-Vialetto-van Laere syndrome 1. Also called: BROWN-VIALETTO-VAN LAERE SYNDROME 1, MILD; BULBAR PALSY, PROGRESSIVE, WITH SENSORINEURAL DEAFNESS; PONTOBULBAR PALSY WITH DEAFNESS. Identifiers: Orphanet 572550, Orphanet 97229, MedGen C0796274, MONDO:0024537, OMIM 211530.

Submission:

Labcorp Genetics (formerly Invitae), Labcorp
Classification: Pathogenic for Brown-Vialetto-van Laere syndrome 1. Last evaluated: 2020-07-20. Review status: criteria provided, single submitter. Criteria: Invitae Variant Classification Sherloc (09022015). Collection method: clinical testing. Allele origin: germline.
Comment: This variant is not present in population databases (ExAC no frequency). For these reasons, this variant has been classified as Pathogenic. Loss-of-function variants in SLC52A3 are known to be pathogenic (PMID: 20206331, 22824638, 25462087). This variant has not been reported in the literature in individuals with SLC52A3-related conditions. This sequence change creates a premature translational stop signal (p.Leu29Cysfs*3) in the SLC52A3 gene. It is expected to result in an absent or disrupted protein product.

Literature cited by the submitters: PubMed 20206331; PubMed 22824638; PubMed 25462087.

NM_033409.4(SLC52A3):c.85del (p.Leu29fs)

Gene: SLC52A3 (solute carrier family 52 member 3; minus strand). Cytogenetic location: 20p13.
Variant type: Deletion.
Coding change: c.85del on transcript NM_033409.4 (MANE Select); coding-DNA position 85, one base deleted (C; older notation c.85delC).
Protein change: p.Leu29fs; shifts the reading frame from leucine 29.
Molecular consequence: frameshift variant.
Genome position (GRCh38, 1-based): chr20:765,690, G deleted on the plus strand (C on the coding strand, the reverse complement: SLC52A3 is on the minus strand); the first of 4 consecutive G bases (chr20:765,690-765,693); deleting any one gives the same sequence. VCF-style (leftmost placement, unchanged base first): chr20-765689-AG-A. GRCh37 (hg19) VCF-style: chr20-746333-AG-A.
Other names: c.85del, p.Leu29fs (NM_001370085.1, NM_001370086.1); short protein forms L29fs.
Identifiers: ClinVar variation 1074049 (VCV001074049.7), dbSNP rs1986662202, ClinGen allele CA2345350250.
Genomic context (GRCh38, chr20:765,689, plus strand): 5'-TGGATGACCACCGTGAGGTAGGAGGGCAGGTACCAGCCCTCGGGCAGCTCCATCACCAGC[AG>A]GGGCAGCTCTACCCAGAGCCCATTGATGGTCACCCAGGAGCCCATTCCGAAGACGCAGAC-3'